The following is an entry in ClinVar:

NM_178857.6(RP1L1):c.489C>A (p.Arg163=)

Gene: RP1L1 (RP1 like 1). Cytogenetic location: 8p23.1.
Variant type: single nucleotide variant.
Coding change: c.489C>A on transcript NM_178857.6 (MANE Select); coding-DNA position 489, C replaced by A.
Protein change: p.Arg163=; no amino-acid change (arginine 163 retained).
Molecular consequence: synonymous variant.
Genome position (GRCh38, 1-based): chr8:10,622,713, G>T on the plus strand (C>A on the coding strand, the complement: RP1L1 is on the minus strand). VCF-style: chr8-10622713-G-T. GRCh37 (hg19) VCF-style: chr8-10480223-G-T.
Identifiers: ClinVar variation 361406 (VCV000361406.58), dbSNP rs201167741, ClinGen allele CA4625673.

ClinVar aggregate classification (germline): Benign/Likely benign. Review status: criteria provided, multiple submitters, no conflicts (2 of 4 stars). 6 submissions from 6 submitters: Benign (2); Likely benign (2). 2 of the submissions do not count toward it. Last evaluated 2026-01-18.

Conditions:
Occult macular dystrophy (OCMD). Also called: OMD; OCCULT MACULAR DYSTROPHY, SUSCEPTIBILITY TO. Identifiers: Orphanet 247834, MedGen C3150833, MONDO:0013316, OMIM 613587, HP:0030636.

Allele frequency attached by ClinVar (database versions not stated): 1000 Genomes Project 30x 0.00016; 1000 Genomes Project 0.00020; TOPMed 0.00142; ESP Exome Variant Server 0.00196.
gnomAD v4.1: 3,953 of 1,614,166 alleles (0.24%); highest among the groups gnomAD compares: Non-Finnish European, 0.31%; 5 homozygotes.

Submissions (6):

Labcorp Genetics (formerly Invitae), Labcorp
Classification: Benign. Last evaluated: 2026-01-18. Review status: criteria provided, single submitter. Criteria: Invitae Variant Classification Sherloc (09022015). Collection method: clinical testing. Allele origin: germline.

CeGaT Center for Human Genetics Tuebingen
Classification: Likely benign. Last evaluated: 2025-06-01. Review status: criteria provided, single submitter. Criteria: CeGaT Center For Human Genetics Tuebingen Variant Classification Criteria Version 2. Collection method: clinical testing. Allele origin: germline. Affected: yes. Observed: 3 variant alleles.
Comment: RP1L1: BP4, BP7

Blueprint Genetics
Classification: Likely benign. Last evaluated: 2024-11-26. Review status: criteria provided, single submitter. Criteria: ACMG Guidelines, 2015. Collection method: clinical testing. Allele origin: germline.

Illumina Laboratory Services, Illumina
Classification: Benign for Occult macular dystrophy. Last evaluated: 2018-01-12. Review status: criteria provided, single submitter. Criteria: ICSL Variant Classification Criteria 13 December 2019. Collection method: clinical testing. Allele origin: germline.
Comment: This variant was observed in the ICSL laboratory as part of a predisposition screen in an ostensibly healthy population. It had not been previously curated by ICSL or reported in the Human Gene Mutation Database (HGMD: prior to June 1st, 2018), and was therefore a candidate for classification through an automated scoring system. Utilizing variant allele frequency, disease prevalence and penetrance estimates, and inheritance mode, an automated score was calculated to assess if this variant is too frequent to cause the disease. Based on the score and internal cut-off values, a variant classified as benign is not then subjected to further curation. The score for this variant resulted in a classification of benign for this disease.

Clinical Genetics DNA and cytogenetics Diagnostics Lab, Erasmus MC, Erasmus Medical Center
Classification: Likely benign. Review status: no assertion criteria provided. Collection method: clinical testing. Allele origin: germline. Affected: yes. Study: VKGL Data-share Consensus. Not counted in ClinVar's aggregate classification.

Clinical Genetics, Academic Medical Center
Classification: Benign. Review status: no assertion criteria provided. Collection method: clinical testing. Allele origin: germline. Affected: yes. Study: VKGL Data-share Consensus. Not counted in ClinVar's aggregate classification.